The following is an entry in ClinVar:

ClinVar aggregate classification (germline): Uncertain significance. Review status: criteria provided, multiple submitters, no conflicts (2 of 4 stars). 2 submissions from 2 submitters: Uncertain significance (2). Last evaluated 2024-07-11.

Conditions:
Inborn genetic diseases. Identifiers: MedGen C0950123, MeSH D030342.

Submissions (2):

Ambry Genetics
Classification: Uncertain significance for Inborn genetic diseases. Last evaluated: 2024-07-11. Review status: criteria provided, single submitter. Criteria: Ambry Variant Classification Scheme 2023. Collection method: clinical testing. Allele origin: germline.
Comment: The c.6340_6342dupTGC (p.C2114dup) alteration is located in exon 47 (coding exon 47) of the LAMA5 gene. The alteration consists of an in-frame duplication of 3 nucleotides from position 6340 to 6342, resulting in the duplication of 1 residue. Based on insufficient or conflicting evidence, the clinical significance of this alteration remains unclear.

Labcorp Genetics (formerly Invitae), Labcorp
Classification: Uncertain significance. Last evaluated: 2023-08-13. Review status: criteria provided, single submitter. Criteria: Invitae Variant Classification Sherloc (09022015). Collection method: clinical testing. Allele origin: germline.
Comment: Experimental studies and prediction algorithms are not available or were not evaluated, and the functional significance of this variant is currently unknown. This variant, c.6340_6342dup, results in the insertion of 1 amino acid(s) of the LAMA5 protein (p.Cys2114dup), but otherwise preserves the integrity of the reading frame. This variant is present in population databases (rs777481858, gnomAD 0.2%). This variant has not been reported in the literature in individuals affected with LAMA5-related conditions. In summary, the available evidence is currently insufficient to determine the role of this variant in disease. Therefore, it has been classified as a Variant of Uncertain Significance.

NM_005560.6(LAMA5):c.6340_6342dup (p.Cys2114_Arg2115insCys)

Gene: LAMA5 (laminin subunit alpha 5; minus strand). Cytogenetic location: 20q13.33.
Variant type: Duplication.
Coding change: c.6340_6342dup on transcript NM_005560.6 (MANE Select); coding-DNA positions 6340 to 6342, 3 bases duplicated (TGC; older notation c.6340_6342dupTGC).
Protein change: p.Cys2114_Arg2115insCys.
Molecular consequence: inframe insertion.
Genome position (GRCh38, 1-based): chr20:62,322,273-62,322,275, GCA duplicated on the plus strand (TGC on the coding strand, the reverse complement: LAMA5 is on the minus strand); duplicating any 3 consecutive bases within chr20:62,322,273-62,322,277 gives the same sequence; the c. name uses the placement nearest the transcript's 3' end. VCF-style (leftmost placement, unchanged base first): chr20-62322272-T-TGCA. GRCh37 (hg19) VCF-style: chr20-60897328-T-TGCA.
Other names: c.6340_6342dupTGC (NM_005560.3).
Identifiers: ClinVar variation 2741076 (VCV002741076.4), dbSNP rs777481858, ClinGen allele CA9941806.